The following is an entry in ClinVar:

ClinVar aggregate classification (germline): Likely pathogenic (1 of 4 stars; one submission).

Submission:

Dasa
Classification: Likely pathogenic. Last evaluated: 2026-04-09. Review status: criteria provided, single submitter. Criteria: DASA Assertion Criteria. Collection method: clinical testing. Allele origin: germline.
Comment: NM_001378183.1(PIEZO2):c.1497_1498del (p.Ser500Leufs*64) is a frameshift variant in PIEZO2 predicted to alter the reading frame and introduce a premature termination codon and is predicted to result in an absent or altered protein product. Loss of function is an established disease mechanism for PIEZO2-associated disorders. Also, this variant is rare in population databases. Based on the currently available evidence, this variant is classified as likely pathogenic.

NM_001378183.1(PIEZO2):c.1497_1498del (p.Ser500fs)

Gene: PIEZO2 (piezo type mechanosensitive ion channel component 2; minus strand). Cytogenetic location: 18p11.22.
Variant type: Deletion.
Coding change: c.1497_1498del on transcript NM_001378183.1 (MANE Select); coding-DNA positions 1497 to 1498, 2 bases deleted (AA; older notation c.1497_1498delAA).
Protein change: p.Ser500fs; shifts the reading frame from serine 500.
Molecular consequence: frameshift variant.
Genome position (GRCh38, 1-based): chr18:10,797,403-10,797,404, TT deleted on the plus strand (AA on the coding strand, the reverse complement: PIEZO2 is on the minus strand); deleting any 2 consecutive bases within chr18:10,797,403-10,797,405 gives the same sequence; the c. name uses the placement nearest the transcript's 3' end. VCF-style (leftmost placement, unchanged base first): chr18-10797402-CTT-C. GRCh37 (hg19) VCF-style: chr18-10797400-CTT-C.
Other names: c.1497_1498del, p.Ser500fs (NM_001410871.1, NM_022068.4); short protein forms S500fs.
Identifiers: ClinVar variation 4880720 (VCV004880720.2).
Genomic context (GRCh38, chr18:10,797,402, plus strand): 5'-TCATATTATACCTATCATCATATCATACATACCATCATAGCTATGAGGGCACAGATGTAA[CTT>C]TGTTTCATAATAAATTGGAATACGGAGACCATGGCATGAACTTTGATACTTCTTTTTTCC-3'